The following is an entry in ClinVar:

ClinVar aggregate classification (germline): Uncertain significance. Review status: criteria provided, multiple submitters, no conflicts (2 of 4 stars). 3 submissions from 3 submitters: Uncertain significance (3). Last evaluated 2025-10-31.

Conditions:
Inborn genetic diseases. Identifiers: MedGen C0950123, MeSH D030342.

Allele frequency attached by ClinVar (database versions not stated): gnomAD 0.00001; TOPMed 0.00001.
gnomAD v4.1: 3 of 1,612,642 alleles (0.00019%); highest among the groups gnomAD compares: Admixed American, 0.0017%; no homozygotes.

Submissions (3):

Dasa
Classification: Uncertain significance. Last evaluated: 2025-10-31. Review status: criteria provided, single submitter. Criteria: DASA Assertion Criteria. Collection method: clinical testing. Allele origin: germline.
Comment: NM_007055.4(POLR3A):c.1271G>T (p.Arg424Ile) is a missense variant that results in the substitution of arginine with isoleucine. This variant is rare in population databases. The currently available literature and clinical evidence are not sufficient to establish a definitive association between this variant and the reported condition. Therefore, this variant is classified as a variant of uncertain significance.

Ambry Genetics
Classification: Uncertain significance for Inborn genetic diseases. Last evaluated: 2025-04-08. Review status: criteria provided, single submitter. Criteria: Ambry Variant Classification Scheme 2023. Collection method: clinical testing. Allele origin: germline.

Labcorp Genetics (formerly Invitae), Labcorp
Classification: Uncertain significance. Last evaluated: 2021-12-02. Review status: criteria provided, single submitter. Criteria: Invitae Variant Classification Sherloc (09022015). Collection method: clinical testing. Allele origin: germline.
Comment: This sequence change replaces arginine, which is basic and polar, with isoleucine, which is neutral and non-polar, at codon 424 of the POLR3A protein (p.Arg424Ile). This variant is not present in population databases (gnomAD no frequency). This variant has not been reported in the literature in individuals affected with POLR3A-related conditions. Algorithms developed to predict the effect of missense changes on protein structure and function are either unavailable or do not agree on the potential impact of this missense change (SIFT: "Deleterious"; PolyPhen-2: "Benign"; Align-GVGD: "Class C0"). In summary, the available evidence is currently insufficient to determine the role of this variant in disease. Therefore, it has been classified as a Variant of Uncertain Significance.

NM_007055.4(POLR3A):c.1271G>T (p.Arg424Ile)

Gene: POLR3A (RNA polymerase III subunit A; minus strand). Cytogenetic location: 10q22.3.
Variant type: single nucleotide variant.
Coding change: c.1271G>T on transcript NM_007055.4 (MANE Select); coding-DNA position 1271, G replaced by T.
Protein change: p.Arg424Ile; replaces arginine 424 with isoleucine.
Molecular consequence: missense variant.
Genome position (GRCh38, 1-based): chr10:78,019,180, C>A on the plus strand (G>T on the coding strand, the complement: POLR3A is on the minus strand). VCF-style: chr10-78019180-C-A. GRCh37 (hg19) VCF-style: chr10-79778938-C-A.
Other names: c.1271G>T (NM_007055.3); short protein forms R424I.
Identifiers: ClinVar variation 1401516 (VCV001401516.6), dbSNP rs1202633183, ClinGen allele CA377343511.
Genomic context (GRCh38, chr10:78,019,180, plus strand): 5'-ATGAGAAAGTAGTTAAATCCAACTAGATTGGGAAAAGATTACCTTTTCATCTGCGTATGT[C>A]TCTGCTGAATGAAGTTTGCTCCTGGGTGAACCTCAGGGCCGTTTTGAACCAGTTTCCTCA-3'
Protein context (NP_008986.2, residues 414-434): VHPGANFIQQ[Arg424Ile]HTQMKRFLKY